The following is an entry in ClinVar:

NM_053025.4(MYLK):c.3703G>C (p.Ala1235Pro)

Gene: MYLK (myosin light chain kinase; minus strand). Cytogenetic location: 3q21.1.
Variant type: single nucleotide variant.
Coding change: c.3703G>C on transcript NM_053025.4 (MANE Select); coding-DNA position 3703, G replaced by C.
Protein change: p.Ala1235Pro; replaces alanine 1235 with proline.
Molecular consequence: missense variant.
Genome position (GRCh38, 1-based): chr3:123,667,137, C>G on the plus strand (G>C on the coding strand, the complement: MYLK is on the minus strand). VCF-style: chr3-123667137-C-G. GRCh37 (hg19) VCF-style: chr3-123385984-C-G.
Other names: c.3175G>C, p.Ala1059Pro (NM_001321309.2); c.3496G>C, p.Ala1166Pro (NM_053026.4, NM_053028.4); c.3703G>C, p.Ala1235Pro (NM_053027.4); short protein forms A1059P, A1166P, A1235P.
Identifiers: ClinVar variation 3722242 (VCV003722242.2).

ClinVar aggregate classification (germline): Uncertain significance (1 of 4 stars; one submission).

Conditions:
Aortic aneurysm, familial thoracic 7 (AAT7). Also called: AORTIC DISSECTION, FAMILIAL, WITH OR WITHOUT AORTIC ANEURYSM. Identifiers: MedGen C3151077, MONDO:0013418, OMIM 613780.

Submission:

Labcorp Genetics (formerly Invitae), Labcorp
Classification: Uncertain significance for Aortic aneurysm, familial thoracic 7. Last evaluated: 2024-10-05. Review status: criteria provided, single submitter. Criteria: Invitae Variant Classification Sherloc (09022015). Collection method: clinical testing. Allele origin: germline.
Comment: This sequence change replaces alanine, which is neutral and non-polar, with proline, which is neutral and non-polar, at codon 1235 of the MYLK protein (p.Ala1235Pro). This variant also falls at the last nucleotide of exon 21, which is part of the consensus splice site for this exon. This variant is not present in population databases (gnomAD no frequency). This variant has not been reported in the literature in individuals affected with MYLK-related conditions. An algorithm developed to predict the effect of missense changes on protein structure and function (PolyPhen-2) suggests that this variant is likely to be disruptive. Variants that disrupt the consensus splice site are a relatively common cause of aberrant splicing (PMID: 17576681, 9536098). Algorithms developed to predict the effect of sequence changes on RNA splicing suggest that this variant may disrupt the consensus splice site. In summary, the available evidence is currently insufficient to determine the role of this variant in disease. Therefore, it has been classified as a Variant of Uncertain Significance.

Literature cited by the submitters: PubMed 17576681; PubMed 9536098.